The following is an entry in ClinVar:

ClinVar aggregate classification (germline): Uncertain significance (1 of 4 stars; one submission).

Conditions:
KBG syndrome (KBGS). Also called: ANKRD11-Related KBG Syndrome. Identifiers: Orphanet 2332, MedGen C0220687, MONDO:0007846, OMIM 148050.

Submission:

Labcorp Genetics (formerly Invitae), Labcorp
Classification: Uncertain significance for KBG syndrome. Last evaluated: 2025-10-04. Review status: criteria provided, single submitter. Criteria: Invitae Variant Classification Sherloc (09022015). Collection method: clinical testing. Allele origin: germline.
Comment: This sequence change replaces proline, which is neutral and non-polar, with serine, which is neutral and polar, at codon 2245 of the ANKRD11 protein (p.Pro2245Ser). This variant is not present in population databases (gnomAD no frequency). This variant has not been reported in the literature in individuals affected with ANKRD11-related conditions. Invitae Evidence Modeling of protein sequence and biophysical properties (such as structural, functional, and spatial information, amino acid conservation, physicochemical variation, residue mobility, and thermodynamic stability) indicates that this missense variant is not expected to disrupt ANKRD11 protein function with a negative predictive value of 95%. In summary, the available evidence is currently insufficient to determine the role of this variant in disease. Therefore, it has been classified as a Variant of Uncertain Significance.

NM_013275.6(ANKRD11):c.6733C>T (p.Pro2245Ser)

Gene: ANKRD11 (ankyrin repeat domain 11; minus strand). Cytogenetic location: 16q24.3.
Variant type: single nucleotide variant.
Coding change: c.6733C>T on transcript NM_013275.6 (MANE Select); coding-DNA position 6733, C replaced by T.
Protein change: p.Pro2245Ser; replaces proline 2245 with serine.
Molecular consequence: missense variant.
Genome position (GRCh38, 1-based): chr16:89,279,809, G>A on the plus strand (C>T on the coding strand, the complement: ANKRD11 is on the minus strand). VCF-style: chr16-89279809-G-A. GRCh37 (hg19) VCF-style: chr16-89346217-G-A.
Other names: c.6733C>T, p.Pro2245Ser (NM_001256182.2, NM_001256183.2); short protein forms P2245S.
Identifiers: ClinVar variation 4736916 (VCV004736916.1).